The following is an entry in ClinVar:

ClinVar aggregate classification (germline): Uncertain significance (1 of 4 stars; one submission).

Conditions:
Norman-Roberts syndrome (LIS2). Also called: Lissencephaly 2 (Norman-Roberts type). Identifiers: Orphanet 89844, MedGen C0796089, MONDO:0009760, OMIM 257320.
Familial temporal lobe epilepsy 7. Identifiers: Orphanet 101046, MedGen C4225327, MONDO:0014639, OMIM 616436.

Submission:

Labcorp Genetics (formerly Invitae), Labcorp
Classification: Uncertain significance for Familial temporal lobe epilepsy 7; Norman-Roberts syndrome. Last evaluated: 2021-12-02. Review status: criteria provided, single submitter. Criteria: Invitae Variant Classification Sherloc (09022015). Collection method: clinical testing. Allele origin: germline.
Comment: This variant has not been reported in the literature in individuals affected with RELN-related conditions. Algorithms developed to predict the effect of missense changes on protein structure and function (SIFT, PolyPhen-2, Align-GVGD) all suggest that this variant is likely to be tolerated. In summary, the available evidence is currently insufficient to determine the role of this variant in disease. Therefore, it has been classified as a Variant of Uncertain Significance. This variant is not present in population databases (gnomAD no frequency). This sequence change replaces glutamine, which is neutral and polar, with histidine, which is basic and polar, at codon 546 of the RELN protein (p.Gln546His).

NM_005045.4(RELN):c.1638A>C (p.Gln546His)

Gene: RELN (reelin; minus strand). Cytogenetic location: 7q22.1.
Variant type: single nucleotide variant.
Coding change: c.1638A>C on transcript NM_005045.4 (MANE Select); coding-DNA position 1638, A replaced by C.
Protein change: p.Gln546His; replaces glutamine 546 with histidine.
Molecular consequence: missense variant.
Genome position (GRCh38, 1-based): chr7:103,652,676, T>G on the plus strand (A>C on the coding strand, the complement: RELN is on the minus strand). VCF-style: chr7-103652676-T-G. GRCh37 (hg19) VCF-style: chr7-103293123-T-G.
Other names: c.1638A>C, p.Gln546His (NM_173054.3); short protein forms Q546H.
Identifiers: ClinVar variation 1412465 (VCV001412465.6), dbSNP rs1832946111, ClinGen allele CA368765749.
Genomic context (GRCh38, chr7:103,652,676, plus strand): 5'-AGAAGGGAGAACAGGCAAGACATGGAAAAAGTCTACAGCCCAGACATTCCTATTATGTCC[T>G]TGATGGTTCTTTTGCCTGAGACAAAATTTGGTAGCAGGAGTCTGAAGTTCAGGATTGATG-3'
Protein context (NP_005036.2, residues 536-556): TKFCLRQKNH[Gln546His]GHNRNVWAVD